The following is an entry in ClinVar:

ClinVar aggregate classification (germline): Conflicting classifications of pathogenicity. Review status: criteria provided, conflicting classifications (1 of 4 stars). 3 submissions from 3 submitters: Uncertain significance (2); Likely benign (1). Last evaluated 2025-11-12.

Conditions:
Dilated cardiomyopathy 1KK (CMD1KK). Identifiers: Orphanet 154, Orphanet 75249, MedGen C3714995, MONDO:0014100, OMIM 615248.
Cardiovascular phenotype. Identifiers: MedGen CN230736.

Allele frequency attached by ClinVar (database versions not stated): gnomAD exomes below 0.00001; gnomAD 0.00001.
gnomAD v4.1: 2 of 1,614,010 alleles (0.00012%); highest among the groups gnomAD compares: South Asian, 0.0011%; no homozygotes.

Submissions (3):

Ambry Genetics
Classification: Uncertain significance for Cardiovascular phenotype. Last evaluated: 2025-11-12. Review status: criteria provided, single submitter. Criteria: Ambry Variant Classification Scheme 2023. Collection method: clinical testing. Allele origin: germline.
Comment: The c.651G>A variant (also known as p.A217A), located in coding exon 1 of the MYPN gene, results from a G to A substitution at nucleotide position 651. This nucleotide substitution does not change the amino acid at codon 217. This nucleotide position is poorly conserved in available vertebrate species. In silico splice site analysis for this alteration is inconclusive. Based on the available evidence, the clinical significance of this variant remains unclear.

Labcorp Genetics (formerly Invitae), Labcorp
Classification: Likely benign for Dilated cardiomyopathy 1KK. Last evaluated: 2023-12-11. Review status: criteria provided, single submitter. Criteria: Invitae Variant Classification Sherloc (09022015). Collection method: clinical testing. Allele origin: germline.

Revvity Omics, Revvity
Classification: Uncertain significance. Last evaluated: 2021-06-21. Review status: criteria provided, single submitter. Criteria: ACMG Guidelines, 2015. Collection method: clinical testing. Allele origin: germline.

NM_032578.4(MYPN):c.651G>A (p.Ala217=)

Gene: MYPN (myopalladin; plus strand). Cytogenetic location: 10q21.3.
Variant type: single nucleotide variant.
Coding change: c.651G>A on transcript NM_032578.4 (MANE Select); coding-DNA position 651, G replaced by A.
Protein change: p.Ala217=; no amino-acid change (alanine 217 retained).
Molecular consequence: synonymous variant. On other transcripts: 5 prime UTR variant (1), non-coding transcript variant (1).
Genome position (GRCh38, 1-based): chr10:68,122,089, G>A. VCF-style: chr10-68122089-G-A. GRCh37 (hg19) VCF-style: chr10-69881846-G-A.
Other names: c.651G>A, p.Ala217= (NM_001256267.2); c.-472G>A (NM_001256268.2); c.651G>A (NM_032578.3, NM_032578.2).
Identifiers: ClinVar variation 1493906 (VCV001493906.11), dbSNP rs2042252455, ClinGen allele CA470003999.